The following is an entry in ClinVar:

ClinVar aggregate classification (germline): Benign. Review status: criteria provided, multiple submitters, no conflicts (2 of 4 stars). 21 submissions from 19 submitters: Benign (17). 4 of the submissions do not count toward it. Last evaluated 2026-02-04.

Conditions:
Cardiovascular phenotype. Identifiers: MedGen CN230736.
Left ventricular noncompaction 10 (LVNC10). Identifiers: Orphanet 154, Orphanet 54260, MedGen C3715165, MONDO:0014163, OMIM 615396.
Cardiomyopathy (CMYO). Also called: Cardiomyopathies. Identifiers: Orphanet 167848, MedGen C0878544, MONDO:0004994, HP:0001638. Inheritance: Various modes of inheritance.
Hypertrophic cardiomyopathy 4. Also called: Familial hypertrophic cardiomyopathy 4. Identifiers: MedGen C1861862, MONDO:0007268, OMIM 115197.
Hypertrophic cardiomyopathy. Also called: HYPERTROPHIC MYOCARDIOPATHY. Identifiers: Orphanet 217569, MedGen C0007194, MeSH D002312, MONDO:0005045, HP:0001639.

Allele frequency attached by ClinVar (database versions not stated): gnomAD exomes 0.34758 and 0.40116; ESP Exome Variant Server 0.35504; TOPMed 0.38740; gnomAD 0.38767 and 0.39261; ExAC 0.47070; 1000 Genomes Project 30x 0.47595; 1000 Genomes Project 0.47624.

Submissions (21):

Labcorp Genetics (formerly Invitae), Labcorp
Classification: Benign for Hypertrophic cardiomyopathy. Last evaluated: 2026-02-04. Review status: criteria provided, single submitter. Criteria: Invitae Variant Classification Sherloc (09022015). Collection method: clinical testing. Allele origin: germline.

ARUP Laboratories, Molecular Genetics and Genomics, ARUP Laboratories
Classification: Benign. Last evaluated: 2025-07-28. Review status: criteria provided, single submitter. Criteria: ARUP Molecular Germline Variant Investigation Process 2024. Collection method: clinical testing. Allele origin: germline.

Blueprint Genetics
Classification: Benign. Last evaluated: 2024-11-27. Review status: criteria provided, single submitter. Criteria: ACMG Guidelines, 2015. Collection method: clinical testing. Allele origin: germline.

Genome-Nilou Lab
Classification: Benign for Left ventricular noncompaction 10. Last evaluated: 2021-09-05. Review status: criteria provided, single submitter. Criteria: ACMG Guidelines, 2015. Collection method: clinical testing. Allele origin: germline. Affected: no.

Genome-Nilou Lab
Classification: Benign for Hypertrophic cardiomyopathy 4. Last evaluated: 2021-09-05. Review status: criteria provided, single submitter. Criteria: ACMG Guidelines, 2015. Collection method: clinical testing. Allele origin: germline. Affected: no.

Molecular Diagnostic Laboratory for Inherited Cardiovascular Disease, Montreal Heart Institute
Classification: Benign. Last evaluated: 2019-08-13. Review status: criteria provided, single submitter. Criteria: ACMG Guidelines, 2015. Collection method: clinical testing. Allele origin: germline. Affected: yes.

Color Diagnostics, LLC DBA Color Health
Classification: Benign for Cardiomyopathy. Last evaluated: 2018-03-16. Review status: criteria provided, single submitter. Criteria: ACMG Guidelines, 2015. Collection method: clinical testing. Allele origin: germline.

Illumina Laboratory Services, Illumina
Classification: Benign for Left ventricular noncompaction 10. Last evaluated: 2018-01-12. Review status: criteria provided, single submitter. Criteria: ICSL Variant Classification Criteria 13 December 2019. Collection method: clinical testing. Allele origin: germline.
Comment: This variant was observed in the ICSL laboratory as part of a predisposition screen in an ostensibly healthy population. It had not been previously curated by ICSL or reported in the Human Gene Mutation Database (HGMD: prior to June 1st, 2018), and was therefore a candidate for classification through an automated scoring system. Utilizing variant allele frequency, disease prevalence and penetrance estimates, and inheritance mode, an automated score was calculated to assess if this variant is too frequent to cause the disease. Based on the score and internal cut-off values, a variant classified as benign is not then subjected to further curation. The score for this variant resulted in a classification of benign for this disease.

Illumina Laboratory Services, Illumina
Classification: Benign for Hypertrophic cardiomyopathy 4. Last evaluated: 2018-01-12. Review status: criteria provided, single submitter. Criteria: ICSL Variant Classification Criteria 13 December 2019. Collection method: clinical testing. Allele origin: germline.
Comment: the same text as in the submission from Illumina Laboratory Services, Illumina above.

Clinical Genetics DNA and cytogenetics Diagnostics Lab, Erasmus MC, Erasmus Medical Center
Classification: Benign for Hypertrophic cardiomyopathy 4. Last evaluated: 2015-09-21. Review status: criteria provided, single submitter. Criteria: ACGS Guidelines, 2013. Collection method: clinical testing. Allele origin: germline. Affected: yes. Study: VKGL Data-share Consensus.

Ambry Genetics
Classification: Benign for Cardiovascular phenotype. Last evaluated: 2015-03-11. Review status: criteria provided, single submitter. Criteria: Ambry Variant Classification Scheme 2023. Collection method: clinical testing. Allele origin: germline.

Genome Diagnostics Laboratory, University Medical Center Utrecht
Classification: Benign for Hypertrophic cardiomyopathy 4. Last evaluated: 2014-10-10. Review status: criteria provided, single submitter. Criteria: ACGS Guidelines, 2013. Collection method: clinical testing. Allele origin: germline. Affected: yes. Study: VKGL Data-share Consensus.

Mayo Clinic Laboratories, Mayo Clinic
Classification: Benign. Last evaluated: 2014-02-25. Review status: criteria provided, single submitter. Criteria: ACMG Guidelines, 2015. Collection method: clinical testing. Allele origin: germline. Observed: 978 variant alleles.

GeneDx
Classification: Benign. Last evaluated: 2012-09-25. Review status: criteria provided, single submitter. Criteria: GeneDx Variant Classification (06012015). Collection method: clinical testing. Allele origin: germline. Affected: yes.
Comment: This variant is considered likely benign or benign based on one or more of the following criteria: it is a conservative change, it occurs at a poorly conserved position in the protein, it is predicted to be benign by multiple in silico algorithms, and/or has population frequency not consistent with disease.

Laboratory for Molecular Medicine, Mass General Brigham Personalized Medicine
Classification: Benign. Last evaluated: 2008-06-20. Review status: criteria provided, single submitter. Criteria: LMM Criteria. Collection method: clinical testing. Allele origin: germline. Observed: 3,183 variant alleles.

Breakthrough Genomics
Classification: Benign. Review status: criteria provided, single submitter. Criteria: ACMG Guidelines, 2015. Collection method: not provided. Allele origin: germline. Inheritance: Autosomal dominant inheritance. Affected: yes.

PreventionGenetics, part of Exact Sciences
Classification: Benign. Review status: criteria provided, single submitter. Criteria: ACMG Guidelines, 2015. Collection method: clinical testing. Allele origin: germline.

Cohesion Phenomics
Classification: Benign for Cardiomyopathy. Last evaluated: 2022-10-10. Review status: no assertion criteria provided. Criteria: ACMG Guidelines, 2015. Collection method: clinical testing. Allele origin: germline. Affected: yes. Not counted in ClinVar's aggregate classification.

Clinical Genetics, Academic Medical Center
Classification: Benign. Review status: no assertion criteria provided. Collection method: clinical testing. Allele origin: germline. Affected: yes. Study: VKGL Data-share Consensus. Not counted in ClinVar's aggregate classification.

Diagnostic Laboratory, Department of Genetics, University Medical Center Groningen
Classification: Benign for Hypertrophic cardiomyopathy 4. Review status: no assertion criteria provided. Collection method: clinical testing. Allele origin: germline. Affected: yes. Study: VKGL Data-share Consensus. Not counted in ClinVar's aggregate classification.

Joint Genome Diagnostic Labs from Nijmegen and Maastricht, Radboudumc and MUMC+
Classification: Benign. Review status: no assertion criteria provided. Collection method: clinical testing. Allele origin: germline. Affected: yes. Study: VKGL Data-share Consensus. Not counted in ClinVar's aggregate classification.

NM_000256.3(MYBPC3):c.3288G>A (p.Glu1096=)

Gene: MYBPC3 (myosin binding protein C3; minus strand). Cytogenetic location: 11p11.2.
Variant type: single nucleotide variant.
Coding change: c.3288G>A on transcript NM_000256.3 (MANE Select); coding-DNA position 3288, G replaced by A.
Protein change: p.Glu1096=; no amino-acid change (glutamic acid 1096 retained).
Molecular consequence: synonymous variant.
Genome position (GRCh38, 1-based): chr11:47,333,236, C>T on the plus strand (G>A on the coding strand, the complement: MYBPC3 is on the minus strand). VCF-style: chr11-47333236-C-T. GRCh37 (hg19) VCF-style: chr11-47354787-C-T.
Other names: p.E1096E:GAG>GAA; p.Glu1096=.
Identifiers: ClinVar variation 42700 (VCV000042700.46), dbSNP rs1052373, ClinGen allele CA013807.
Genomic context (GRCh38, chr11:47,333,236, plus strand): 5'-CCCAGACCCTGGGCTCACCATGGTCTTCTTGTCGGCTTTCTGCACTGTGTACCCCCAGAG[C>T]TCCGTGTTGCCGACATCCTGGGGTGGCTTCCACTCCAGAGCCACATTAAGACCCCAGGCG-3'
Protein context (NP_000247.2, residues 1086-1106): WKPPQDVGNT[Glu1096=]LWGYTVQKAD